The following is an entry in ClinVar:

Conditions:
Arteriohepatic dysplasia. Also called: Alagille Syndrome. Identifiers: Orphanet 52, MedGen C0085280, MeSH D016738, MONDO:0007318.

Submission:

Gilbert/Spinner Lab, Children's Hospital of Philadelphia
No classification provided (evidence only). Condition: Alagille syndrome. Review status: no classification provided. Collection method: research. Allele origin: not applicable. Functional consequence: functionally_abnormal.
ClinVar note: "not provided" was previously submitted as the classification for the variant. However, the classification appeared to be based only on an observation of functional data so it was converted to no classification on 2025-07-30.

NM_000214.3(JAG1):c.536T>C (p.Phe179Ser)

Gene: JAG1 (jagged canonical Notch ligand 1; minus strand). Cytogenetic location: 20p12.2.
Variant type: single nucleotide variant.
Coding change: c.536T>C on transcript NM_000214.3 (MANE Select); coding-DNA position 536, T replaced by C.
Protein change: p.Phe179Ser; replaces phenylalanine 179 with serine.
Molecular consequence: missense variant.
Genome position (GRCh38, 1-based): chr20:10,658,626, A>G on the plus strand (T>C on the coding strand, the complement: JAG1 is on the minus strand). VCF-style: chr20-10658626-A-G. GRCh37 (hg19) VCF-style: chr20-10639274-A-G.
Other names: short protein forms F179S.
Identifiers: ClinVar variation 3573324 (VCV003573324.2).